The following is an entry in ClinVar:

NM_002474.3(MYH11):c.5791G>A (p.Gly1931Arg)

Genes: MYH11 (myosin heavy chain 11; minus strand), NDE1 (nudE neurodevelopment protein 1; plus strand). Cytogenetic location: 16p13.11.
Variant type: single nucleotide variant.
Coding change: c.5791G>A on transcript NM_002474.3 (MANE Select); coding-DNA position 5791, G replaced by A.
Protein change: p.Gly1931Arg; replaces glycine 1931 with arginine.
Molecular consequence: missense variant. On other transcripts: 3 prime UTR variant (2), intron variant (2).
Genome position (GRCh38, 1-based): chr16:15,704,119, C>T on the plus strand (G>A on the coding strand, the complement: MYH11 is on the minus strand). VCF-style: chr16-15704119-C-T. GRCh37 (hg19) VCF-style: chr16-15797976-C-T.
Other names: c.*13G>A (NM_001040113.2, NM_022844.3); c.5812G>A, p.Gly1938Arg (NM_001040114.2); c.947+7259C>T (NM_001143979.2, NM_017668.3); short protein forms G1931R, G1938R.
Identifiers: ClinVar variation 4825853 (VCV004825853.1).

ClinVar aggregate classification (germline): Uncertain significance (1 of 4 stars; one submission).

Conditions:
Familial thoracic aortic aneurysm and aortic dissection (TAAD). Also called: Thoracic aortic aneurysms and dissections. Identifiers: Orphanet 91387, MedGen C4707243, MONDO:0019625.

gnomAD v4.1: 1 of 1,614,032 alleles (0.000062%); highest among the groups gnomAD compares: Non-Finnish European, 0.000085%; no homozygotes.

Submission:

Ambry Genetics
Classification: Uncertain significance for Familial thoracic aortic aneurysm and aortic dissection. Last evaluated: 2026-03-01. Review status: criteria provided, single submitter. Criteria: Ambry Variant Classification Scheme 2023. Collection method: clinical testing. Allele origin: germline.
Comment: The p.G1931R variant (also known as c.5791G>A), located in coding exon 40 of the MYH11 gene, results from a G to A substitution at nucleotide position 5791. The glycine at codon 1931 is replaced by arginine, an amino acid with dissimilar properties. This amino acid position is conserved. In addition, the in silico prediction for this alteration is inconclusive. Based on the available evidence, the clinical significance of this variant remains unclear.